The following is an entry in ClinVar:

NM_000326.5(RLBP1):c.279C>A (p.Ser93Arg)

Gene: RLBP1 (retinaldehyde binding protein 1; minus strand). Cytogenetic location: 15q26.1.
Variant type: single nucleotide variant.
Coding change: c.279C>A on transcript NM_000326.5 (MANE Select); coding-DNA position 279, C replaced by A.
Protein change: p.Ser93Arg; replaces serine 93 with arginine.
Molecular consequence: missense variant.
Genome position (GRCh38, 1-based): chr15:89,217,187, G>T on the plus strand (C>A on the coding strand, the complement: RLBP1 is on the minus strand). VCF-style: chr15-89217187-G-T. GRCh37 (hg19) VCF-style: chr15-89760418-G-T.
Other names: short protein forms S93R.
Identifiers: ClinVar variation 1933937 (VCV001933937.3), dbSNP rs985098836, ClinGen allele CA274535495.

ClinVar aggregate classification (germline): Uncertain significance (1 of 4 stars; one submission).

gnomAD v4.1: 1 of 1,613,944 alleles (0.000062%); no homozygotes.

Submission:

Labcorp Genetics (formerly Invitae), Labcorp
Classification: Uncertain significance. Last evaluated: 2022-05-27. Review status: criteria provided, single submitter. Criteria: Invitae Variant Classification Sherloc (09022015). Collection method: clinical testing. Allele origin: germline.
Comment: In summary, the available evidence is currently insufficient to determine the role of this variant in disease. Therefore, it has been classified as a Variant of Uncertain Significance. Algorithms developed to predict the effect of missense changes on protein structure and function are either unavailable or do not agree on the potential impact of this missense change (SIFT: "Deleterious"; PolyPhen-2: "Possibly Damaging"; Align-GVGD: "Class C0"). This variant has not been reported in the literature in individuals affected with RLBP1-related conditions. This variant is not present in population databases (gnomAD no frequency). This sequence change replaces serine, which is neutral and polar, with arginine, which is basic and polar, at codon 93 of the RLBP1 protein (p.Ser93Arg).